The following is an entry in ClinVar:

ClinVar aggregate classification (germline): Pathogenic (1 of 4 stars; one submission).

Conditions:
Leber congenital amaurosis (LCA). Also called: Leber's amaurosis. Identifiers: Orphanet 65, MedGen C0339527, MeSH D057130, MONDO:0018998.

Submission:

Natera, Inc.
Classification: Pathogenic for Leber congenital amaurosis. Last evaluated: 2024-11-12. Review status: criteria provided, single submitter. Criteria: Natera Variant Classification Schema (03/2026). Collection method: clinical testing. Allele origin: germline.
Comment: The c.1910-2A>G variant in CEP290 is a canonical splice acceptor site variant predicted to affect pre-mRNA splicing, which may result in an abnormal transcript and altered protein product. This variant is expected to result in nonsense mediated decay, truncation, or a dysfunctional protein product. This variant is rare in the general population with a frequency below the threshold expected for the associated phenotype(s). This variant has been observed in one or more individuals affected with the associated recessive disease, as either homozygous or compound heterozygous with a second variant (PMID: 17345604). Given the available evidence, this variant is classified as Pathogenic.

Literature cited by the submitters: PubMed 17345604.

NM_025114.4(CEP290):c.1910-2A>G

Gene: CEP290 (centrosomal protein 290; minus strand). Cytogenetic location: 12q21.32.
Variant type: single nucleotide variant.
Coding change: c.1910-2A>G on transcript NM_025114.4 (MANE Select); the canonical splice acceptor site of the intron before coding-DNA position 1910, A replaced by G.
Molecular consequence: splice acceptor variant.
Genome position (GRCh38, 1-based): chr12:88,114,564, T>C on the plus strand (A>G on the coding strand, the complement: CEP290 is on the minus strand). VCF-style: chr12-88114564-T-C. GRCh37 (hg19) VCF-style: chr12-88508341-T-C.
Identifiers: ClinVar variation 4816194 (VCV004816194.1).